The following is an entry in ClinVar:

ClinVar aggregate classification (germline): Uncertain significance (1 of 4 stars; one submission).

Conditions:
HGSNAT-related disorder. Also called: HGSNAT-related condition.

Submission:

PreventionGenetics, part of Exact Sciences
Classification: Uncertain significance for HGSNAT-related condition. Last evaluated: 2026-03-17. Review status: criteria provided, single submitter. Criteria: ACMG Guidelines, 2015. Collection method: clinical testing. Allele origin: germline.
Comment: The HGSNAT c.1465-3C>A variant is predicted to interfere with splicing. This variant is predicted to alter splicing based on available splicing prediction programs (SpliceAI, Jaganathan et al. 2019. PubMed ID: 30661751). However, the use of computer prediction programs is not equivalent to functional evidence. To our knowledge, this variant has not been reported in the literature. This variant is reported in 0.0065% of alleles in individuals of African descent in gnomAD. At this time, the clinical significance of this variant is uncertain due to the absence of conclusive functional and genetic evidence.

NM_152419.3(HGSNAT):c.1465-3C>A

Gene: HGSNAT (heparan-alpha-glucosaminide N-acetyltransferase; plus strand). Cytogenetic location: 8p11.21.
Variant type: single nucleotide variant.
Coding change: c.1465-3C>A on transcript NM_152419.3 (MANE Select); 3 bases into the intron before coding-DNA position 1465, C replaced by A.
Molecular consequence: intron variant.
Genome position (GRCh38, 1-based): chr8:43,196,945, C>A. VCF-style: chr8-43196945-C-A. GRCh37 (hg19) VCF-style: chr8-43052088-C-A.
Other names: c.1552-3C>A (NM_001363227.2); c.601-3C>A (NM_001363229.2); c.1273-3C>A (NM_001363228.2).
Identifiers: ClinVar variation 4983348 (VCV004983348.1).